The following is an entry in ClinVar:

NM_001161352.2(KCNMA1):c.1499C>T (p.Ala500Val)

Gene: KCNMA1 (potassium calcium-activated channel subfamily M alpha 1; minus strand). Cytogenetic location: 10q22.3.
Variant type: single nucleotide variant.
Coding change: c.1499C>T on transcript NM_001161352.2 (MANE Select); coding-DNA position 1499, C replaced by T.
Protein change: p.Ala500Val; replaces alanine 500 with valine.
Molecular consequence: missense variant.
Genome position (GRCh38, 1-based): chr10:77,084,661, G>A on the plus strand (C>T on the coding strand, the complement: KCNMA1 is on the minus strand). VCF-style: chr10-77084661-G-A. GRCh37 (hg19) VCF-style: chr10-78844419-G-A.
Other names: c.1499C>T, p.Ala500Val (NM_001014797.3, NM_001161353.2, NM_001271519.2 and 9 more transcripts); c.1337C>T, p.Ala446Val (NM_001271518.2); c.959C>T, p.Ala320Val (NM_001322838.2); c.1631C>T, p.Ala544Val (NM_001437422.1); short protein forms A320V, A446V, A500V, A544V.
Identifiers: ClinVar variation 4811641 (VCV004811641.1).
Genomic context (GRCh38, chr10:77,084,661, plus strand): 5'-CAAGCCCAGGGCCTTCCGCAGCGCCCCAAGAGTTACCTCATGATATTCGAGGCATCCTCC[G>A]CATCCGGGTCAGCGCAGTACTTGTTGGCAAGGATCAGGCATGCATCTGCTGACTCTATCT-3'
Protein context (NP_001154824.1, residues 490-510): LANKYCADPD[Ala500Val]EDASNIMRVI

ClinVar aggregate classification (germline): Uncertain significance (1 of 4 stars; one submission).

Conditions:
Generalized epilepsy-paroxysmal dyskinesia syndrome (PNKD3). Also called: Generalized epilepsy and paroxysmal dyskinesia; Paroxysmal nonkinesigenic dyskinesia, 3, with or without generalized epilepsy. Identifiers: Orphanet 79137, MedGen C5574945, MONDO:0012276, OMIM 609446.

gnomAD v4.1: 3 of 1,613,914 alleles (0.00019%); highest among the groups gnomAD compares: Admixed American, 0.0017%; no homozygotes.

Submission:

Labcorp Genetics (formerly Invitae), Labcorp
Classification: Uncertain significance for Generalized epilepsy-paroxysmal dyskinesia syndrome. Last evaluated: 2025-10-02. Review status: criteria provided, single submitter. Criteria: Invitae Variant Classification Sherloc (09022015). Collection method: clinical testing. Allele origin: germline.
Comment: This sequence change replaces alanine, which is neutral and non-polar, with valine, which is neutral and non-polar, at codon 500 of the KCNMA1 protein (p.Ala500Val). This variant is present in population databases (rs751749571, gnomAD 0.004%). This variant has not been reported in the literature in individuals affected with KCNMA1-related conditions. Invitae Evidence Modeling of protein sequence and biophysical properties (such as structural, functional, and spatial information, amino acid conservation, physicochemical variation, residue mobility, and thermodynamic stability) indicates that this missense variant is not expected to disrupt KCNMA1 protein function with a negative predictive value of 80%. In summary, the available evidence is currently insufficient to determine the role of this variant in disease. Therefore, it has been classified as a Variant of Uncertain Significance.